The following is an entry in ClinVar:

NM_001165963.4(SCN1A):c.1388C>T (p.Thr463Met)

Gene: SCN1A (sodium voltage-gated channel alpha subunit 1; minus strand). Cytogenetic location: 2q24.3.
Variant type: single nucleotide variant.
Coding change: c.1388C>T on transcript NM_001165963.4 (MANE Select); coding-DNA position 1388, C replaced by T.
Protein change: p.Thr463Met; replaces threonine 463 with methionine.
Molecular consequence: missense variant. On other transcripts: 5 prime UTR variant (1), non-coding transcript variant (1).
Genome position (GRCh38, 1-based): chr2:166,045,317, G>A on the plus strand (C>T on the coding strand, the complement: SCN1A is on the minus strand). VCF-style: chr2-166045317-G-A. GRCh37 (hg19) VCF-style: chr2-166901827-G-A.
Other names: c.1388C>T, p.Thr463Met (NM_001165964.3, NM_001202435.3, NM_001353948.2 and 7 more transcripts); c.1385C>T, p.Thr462Met (NM_001353954.2, NM_001353955.2, NM_001353960.2); c.-1038C>T (NM_001353961.2); short protein forms T462M, T463M.
Identifiers: ClinVar variation 1206579 (VCV001206579.10), dbSNP rs752591998, ClinGen allele CA1943309.
Genomic context (GRCh38, chr2:166,045,317, plus strand): 5'-GAGCTGTCTGAGAGCCTGCCTGCTGCACTGGGCTCTCTGGAATGTTCTGAGGCAGTTGCC[G>A]TTGCTGCCTGCTATATTGAAGAGAAATGATTTTAACATAGCACCTGAAGAGACTGTATCT-3'
Protein context (NP_001159435.1, residues 453-473): KQQEAAQQAA[Thr463Met]ATASEHSREP

ClinVar aggregate classification (germline): Likely benign. Review status: criteria provided, multiple submitters, no conflicts (2 of 4 stars). 2 submissions from 2 submitters: Likely benign (2). Last evaluated 2025-12-15.

Conditions:
Early-infantile DEE. Also called: Ohtahara syndrome; Early infantile epileptic encephalopathy with suppression bursts; Early infantile epileptic encephalopathy. Identifiers: Orphanet 1934, MedGen C0393706, MONDO:0800491.

Allele frequency attached by ClinVar (database versions not stated): TOPMed 0.00001; ExAC 0.00003; gnomAD exomes 0.00003.
gnomAD v4.1: 38 of 1,613,960 alleles (0.0024%); highest among the groups gnomAD compares: South Asian, 0.0077%; no homozygotes.

Submissions (2):

Labcorp Genetics (formerly Invitae), Labcorp
Classification: Likely benign for Early-infantile DEE. Last evaluated: 2025-12-15. Review status: criteria provided, single submitter. Criteria: Invitae Variant Classification Sherloc (09022015). Collection method: clinical testing. Allele origin: germline.

GeneDx
Classification: Likely benign. Last evaluated: 2020-03-19. Review status: criteria provided, single submitter. Criteria: GeneDx Variant Classification Process June 2021. Collection method: clinical testing. Allele origin: germline. Affected: yes.
Comment: This variant is associated with the following publications: (PMID: 25999502)